The following is an entry in ClinVar:

NM_001346249.2(RALGAPA1):c.4083G>A (p.Met1361Ile)

Gene: RALGAPA1 (Ral GTPase activating protein catalytic subunit alpha 1; minus strand). Cytogenetic location: 14q13.2.
Variant type: single nucleotide variant.
Coding change: c.4083G>A on transcript NM_001346249.2 (MANE Select); coding-DNA position 4083, G replaced by A.
Protein change: p.Met1361Ile; replaces methionine 1361 with isoleucine.
Molecular consequence: missense variant.
Genome position (GRCh38, 1-based): chr14:35,685,140, C>T on the plus strand (G>A on the coding strand, the complement: RALGAPA1 is on the minus strand). VCF-style: chr14-35685140-C-T. GRCh37 (hg19) VCF-style: chr14-36154346-C-T.
Other names: c.2604G>A, p.Met868Ile (NM_001283043.3); c.2706G>A, p.Met902Ile (NM_001283044.3, NM_001346245.2, NM_001346247.2); c.3942G>A, p.Met1314Ile (NM_001330075.3, NM_001346248.2); c.2565G>A, p.Met855Ile (NM_001346243.2, NM_001346246.2, NM_014990.3 and 1 more transcripts); c.2565G>A (NM_194301.2); short protein forms M1314I, M1361I, M855I, M868I, M902I.
Identifiers: ClinVar variation 2634289 (VCV002634289.2), dbSNP rs145724037, ClinGen allele CA7156794.

ClinVar aggregate classification (germline): Uncertain significance. Review status: criteria provided, multiple submitters, no conflicts (2 of 4 stars). 2 submissions from 2 submitters: Uncertain significance (2). Last evaluated 2023-12-26.

Conditions:
RALGAPA1-related disorder. Also called: RALGAPA1-related condition.
Inborn genetic diseases. Identifiers: MedGen C0950123, MeSH D030342.

Allele frequency attached by ClinVar (database versions not stated): ExAC 0.00007; gnomAD 0.00023; ESP Exome Variant Server 0.00054; gnomAD exomes 0.00063.

Submissions (2):

Ambry Genetics
Classification: Uncertain significance for Inborn genetic diseases. Last evaluated: 2023-12-26. Review status: criteria provided, single submitter. Criteria: Ambry Variant Classification Scheme 2023. Collection method: clinical testing. Allele origin: germline.

PreventionGenetics, part of Exact Sciences
Classification: Uncertain significance for RALGAPA1-related condition. Last evaluated: 2022-10-26. Review status: criteria provided, single submitter. Criteria: ACMG Guidelines, 2015. Collection method: clinical testing. Allele origin: germline.
Comment: The RALGAPA1 c.4083G>A variant is predicted to result in the amino acid substitution p.Met1361Ile. To our knowledge, this variant has not been reported in the literature. This variant is reported in 0.040% of alleles in individuals of European (Non-Finnish) descent in gnomAD. At this time, the clinical significance of this variant is uncertain due to the absence of conclusive functional and genetic evidence.